The following is an entry in ClinVar:

NM_001458.5(FLNC):c.2121+6T>C

Gene: FLNC (filamin C; plus strand). Cytogenetic location: 7q32.1.
Variant type: single nucleotide variant.
Coding change: c.2121+6T>C on transcript NM_001458.5 (MANE Select); 6 bases into the intron after coding-DNA position 2121, T replaced by C.
Molecular consequence: intron variant.
Genome position (GRCh38, 1-based): chr7:128,841,573, T>C. VCF-style: chr7-128841573-T-C. GRCh37 (hg19) VCF-style: chr7-128481627-T-C.
Other names: c.2121+6T>C (NM_001127487.2).
Identifiers: ClinVar variation 4812727 (VCV004812727.1).

ClinVar aggregate classification (germline): Uncertain significance (1 of 4 stars; one submission).

Conditions:
Hypertrophic cardiomyopathy 26. Also called: Cardiomyopathy, familial hypertrophic, 26. Identifiers: Orphanet 75249, MedGen C4310749, MONDO:0014883, OMIM 617047.
Myofibrillar myopathy 5. Also called: Filaminopathy (type); FILAMINOPATHY, AUTOSOMAL DOMINANT. Identifiers: Orphanet 171445, MedGen C1836050, MONDO:0012289, OMIM 609524.
Distal myopathy with posterior leg and anterior hand involvement. Also called: WILLIAMS DISTAL MYOPATHY. Identifiers: Orphanet 63273, MedGen C3279722, MONDO:0013550, OMIM 614065.

Submission:

Labcorp Genetics (formerly Invitae), Labcorp
Classification: Uncertain significance for Distal myopathy with posterior leg and anterior hand involvement; Myofibrillar myopathy 5; Hypertrophic cardiomyopathy 26. Last evaluated: 2025-05-18. Review status: criteria provided, single submitter. Criteria: Invitae Variant Classification Sherloc (09022015). Collection method: clinical testing. Allele origin: germline.
Comment: This sequence change falls in intron 13 of the FLNC gene. It does not directly change the encoded amino acid sequence of the FLNC protein. It affects a nucleotide within the consensus splice site. This variant is not present in population databases (gnomAD no frequency). This variant has not been reported in the literature in individuals affected with FLNC-related conditions. Variants that disrupt the consensus splice site are a relatively common cause of aberrant splicing (PMID: 17576681, 9536098). Algorithms developed to predict the effect of sequence changes on RNA splicing suggest that this variant is not likely to affect RNA splicing. In summary, the available evidence is currently insufficient to determine the role of this variant in disease. Therefore, it has been classified as a Variant of Uncertain Significance.

Literature cited by the submitters: PubMed 17576681; PubMed 9536098.